The following is an entry in ClinVar:

NM_016292.3(TRAP1):c.952G>A (p.Val318Ile)

Gene: TRAP1 (TNF receptor associated protein 1; minus strand). Cytogenetic location: 16p13.3.
Variant type: single nucleotide variant.
Coding change: c.952G>A on transcript NM_016292.3 (MANE Select); coding-DNA position 952, G replaced by A.
Protein change: p.Val318Ile; replaces valine 318 with isoleucine.
Molecular consequence: missense variant.
Genome position (GRCh38, 1-based): chr16:3,674,431, C>T on the plus strand (G>A on the coding strand, the complement: TRAP1 is on the minus strand). VCF-style: chr16-3674431-C-T. GRCh37 (hg19) VCF-style: chr16-3724432-C-T.
Other names: c.793G>A, p.Val265Ile (NM_001272049.2); short protein forms V265I, V318I.
Identifiers: ClinVar variation 2970771 (VCV002970771.3), dbSNP rs776610264, ClinGen allele CA7868374.

ClinVar aggregate classification (germline): Uncertain significance (1 of 4 stars; one submission).

Allele frequency attached by ClinVar (database versions not stated): gnomAD 0.00001; gnomAD exomes 0.00001; TOPMed 0.00001; ExAC 0.00002.
gnomAD v4.1: 13 of 1,614,104 alleles (0.00081%); highest among the groups gnomAD compares: Admixed American, 0.005%; no homozygotes.

Submission:

Labcorp Genetics (formerly Invitae), Labcorp
Classification: Uncertain significance. Last evaluated: 2023-06-11. Review status: criteria provided, single submitter. Criteria: Invitae Variant Classification Sherloc (09022015). Collection method: clinical testing. Allele origin: germline.
Comment: In summary, the available evidence is currently insufficient to determine the role of this variant in disease. Therefore, it has been classified as a Variant of Uncertain Significance. Advanced modeling of protein sequence and biophysical properties (such as structural, functional, and spatial information, amino acid conservation, physicochemical variation, residue mobility, and thermodynamic stability) performed at Invitae indicates that this missense variant is not expected to disrupt TRAP1 protein function. This sequence change replaces valine, which is neutral and non-polar, with isoleucine, which is neutral and non-polar, at codon 318 of the TRAP1 protein (p.Val318Ile). This variant has not been reported in the literature in individuals affected with TRAP1-related conditions. This variant is present in population databases (rs776610264, gnomAD 0.01%).